The following is an entry in ClinVar:

NM_000138.5(FBN1):c.3998G>A (p.Cys1333Tyr)

Gene: FBN1 (fibrillin 1; minus strand). Cytogenetic location: 15q21.1.
Variant type: single nucleotide variant.
Coding change: c.3998G>A on transcript NM_000138.5 (MANE Select); coding-DNA position 3998, G replaced by A.
Protein change: p.Cys1333Tyr; replaces cysteine 1333 with tyrosine.
Molecular consequence: missense variant.
Genome position (GRCh38, 1-based): chr15:48,474,617, C>T on the plus strand (G>A on the coding strand, the complement: FBN1 is on the minus strand). VCF-style: chr15-48474617-C-T. GRCh37 (hg19) VCF-style: chr15-48766814-C-T.
Other names: short protein forms C1333Y.
Identifiers: ClinVar variation 2152237 (VCV002152237.4), dbSNP rs2043405073, ClinGen allele CA392320592.
Genomic context (GRCh38, chr15:48,474,617, plus strand): 5'-CCGGGACTGCAGCTACATTTGAAGCTTCCTGCTGTATTGGTACATACAGCATGTTTGCCA[C>T]AGTTGTGTGCTCCAATTTCACATTCATTGATGTCTGGAAAAATGAGCAGTGATTTAGAAA-3'
Protein context (NP_000129.3, residues 1323-1343): INECEIGAHN[Cys1333Tyr]GKHAVCTNTA

ClinVar aggregate classification (germline): Pathogenic (1 of 4 stars; one submission).

Conditions:
Familial thoracic aortic aneurysm and aortic dissection (TAAD). Also called: Thoracic aortic aneurysms and dissections. Identifiers: Orphanet 91387, MedGen C4707243, MONDO:0019625.
Marfan syndrome (MFS). Also called: MARFAN SYNDROME, TYPE I; Marfan syndrome type 1; Marfan's syndrome; Marfan syndrome, classic; FBN1-Related Marfan Syndrome. Identifiers: Orphanet 284963, Orphanet 558, MedGen C0024796, MONDO:0007947, OMIM 154700.

Submission:

Labcorp Genetics (formerly Invitae), Labcorp
Classification: Pathogenic for Marfan syndrome; Familial thoracic aortic aneurysm and aortic dissection. Last evaluated: 2022-08-13. Review status: criteria provided, single submitter. Criteria: Invitae Variant Classification Sherloc (09022015). Collection method: clinical testing. Allele origin: germline.
Comment: Advanced modeling of protein sequence and biophysical properties (such as structural, functional, and spatial information, amino acid conservation, physicochemical variation, residue mobility, and thermodynamic stability) performed at Invitae indicates that this missense variant is expected to disrupt FBN1 protein function. This sequence change replaces cysteine, which is neutral and slightly polar, with tyrosine, which is neutral and polar, at codon 1333 of the FBN1 protein (p.Cys1333Tyr). This variant is not present in population databases (gnomAD no frequency). This missense change has been observed in individuals with clinical features of Marfan syndrome (PMID: 29896744; Invitae). This variant affects a cysteine residue in the EGF-like, TGFBP or hybrid motif domains of FBN1. Cysteine residues are believed to be involved in intramolecular disulfide bridges and have been shown to be important for FBN1 protein structure (PMID: 16905551, 19349279). In addition, missense substitutions affecting cysteine residues within these domains are significantly overrepresented among patients with Marfan syndrome (PMID: 16571647, 17701892). For these reasons, this variant has been classified as Pathogenic.

Literature cited by the submitters: PubMed 29896744; PubMed 16905551; PubMed 19349279; PubMed 16571647; PubMed 17701892.